The following is an entry in ClinVar:

ClinVar aggregate classification (germline): Pathogenic (1 of 4 stars; one submission).

Conditions:
Cystic fibrosis (CF). Also called: MUCOVISCIDOSIS. Identifiers: Orphanet 586, MedGen C0010674, MONDO:0009061, OMIM 219700. Disease mechanism: loss of function.

Submission:

Labcorp Genetics (formerly Invitae), Labcorp
Classification: Pathogenic for Cystic fibrosis. Last evaluated: 2024-01-09. Review status: criteria provided, single submitter. Criteria: Invitae Variant Classification Sherloc (09022015). Collection method: clinical testing. Allele origin: unknown.
Comment: This variant is a gross deletion of the genomic region encompassing exon(s) 19-20 of the CFTR gene. This deletion is out-of-frame, and is expected to create a premature termination codon and result in an absent or disrupted protein product. Loss-of-function variants in CFTR are known to be pathogenic (PMID: 1695717, 7691345, 9725922). A similar copy number variant has been observed in individuals with cystic fibrosis (PMID: 15520400). This variant is also known as deletion of exons 17a-17b. For these reasons, this variant has been classified as Pathogenic.

Literature cited by the submitters: PubMed 1695717; PubMed 7691345; PubMed 9725922; PubMed 15520400.

NC_000007.14:g.(?_117610499)_(117611828_?)del

Gene: CFTR (CF transmembrane conductance regulator; plus strand). Cytogenetic location: 7q31.2.
Variant type: Deletion.
Identifiers: ClinVar variation 3245677 (VCV003245677.1).